The following is an entry in ClinVar:

ClinVar aggregate classification (germline): Uncertain significance (1 of 4 stars; one submission).

Conditions:
Bardet-Biedl syndrome (BBS). Identifiers: Orphanet 110, MedGen C0752166, MONDO:0015229.

Allele frequency attached by ClinVar (database versions not stated): gnomAD exomes below 0.00001.
gnomAD v4.1: 1 of 1,613,004 alleles (0.000062%); highest among the groups gnomAD compares: Non-Finnish European, 0.000085%; no homozygotes.

Submission:

Labcorp Genetics (formerly Invitae), Labcorp
Classification: Uncertain significance for Bardet-Biedl syndrome. Last evaluated: 2022-09-01. Review status: criteria provided, single submitter. Criteria: Invitae Variant Classification Sherloc (09022015). Collection method: clinical testing. Allele origin: germline.
Comment: This sequence change falls in intron 8 of the BBS1 gene. It does not directly change the encoded amino acid sequence of the BBS1 protein. This variant is not present in population databases (gnomAD no frequency). This variant has not been reported in the literature in individuals affected with BBS1-related conditions. ClinVar contains an entry for this variant (Variation ID: 1392027). Algorithms developed to predict the effect of sequence changes on RNA splicing suggest that this variant may disrupt the consensus splice site. In summary, the available evidence is currently insufficient to determine the role of this variant in disease. Therefore, it has been classified as a Variant of Uncertain Significance.

NM_024649.5(BBS1):c.724-5T>A

Genes: BBS1 (Bardet-Biedl syndrome 1; plus strand), ZDHHC24 (zDHHC palmitoyltransferase 24; minus strand). Cytogenetic location: 11q13.2.
Variant type: single nucleotide variant.
Coding change: c.724-5T>A on transcript NM_024649.5 (MANE Select); 5 bases into the intron before coding-DNA position 724, T replaced by A.
Molecular consequence: intron variant. On other transcripts: 3 prime UTR variant (1).
Genome position (GRCh38, 1-based): chr11:66,521,265, T>A. VCF-style: chr11-66521265-T-A. GRCh37 (hg19) VCF-style: chr11-66288736-T-A.
Other names: c.*223A>T (NM_001348571.2).
Identifiers: ClinVar variation 1392027 (VCV001392027.7), dbSNP rs2134784385, ClinGen allele CA2573147566.